The following is an entry in ClinVar:

ClinVar aggregate classification (germline): Pathogenic (1 of 4 stars; one submission).

Conditions:
Intellectual developmental disorder, autosomal dominant 6, with or without seizures. Also called: GRIN2B-related developmental delay, intellectual disability and autism spectrum disorder; Intellectual disability, autosomal dominant 6. Identifiers: Orphanet 589547, MedGen C3151411, MONDO:0013509, OMIM 613970.
Developmental and epileptic encephalopathy, 27 (DEE27). Also called: Epileptic encephalopathy, early infantile, 27; GRIN2B-Related Neurodevelopmental Disorder. Identifiers: Orphanet 3451, MedGen C4015316, MONDO:0014505, OMIM 616139.

Submission:

Labcorp Genetics (formerly Invitae), Labcorp
Classification: Pathogenic for Developmental and epileptic encephalopathy, 27; Intellectual developmental disorder, autosomal dominant 6, with or without seizures. Last evaluated: 2024-10-17. Review status: criteria provided, single submitter. Criteria: Invitae Variant Classification Sherloc (09022015). Collection method: clinical testing. Allele origin: germline.
Comment: This sequence change replaces serine, which is neutral and polar, with threonine, which is neutral and polar, at codon 555 of the GRIN2B protein (p.Ser555Thr). This variant is not present in population databases (gnomAD no frequency). This missense change has been observed in individual(s) with GRIN2B-related conditions (internal data). In at least one individual the variant was observed to be de novo. Invitae Evidence Modeling of protein sequence and biophysical properties (such as structural, functional, and spatial information, amino acid conservation, physicochemical variation, residue mobility, and thermodynamic stability) indicates that this missense variant is expected to disrupt GRIN2B protein function with a positive predictive value of 95%. This variant disrupts the p.Ser555 amino acid residue in GRIN2B. Other variant(s) that disrupt this residue have been determined to be pathogenic (PMID: 28377535). This suggests that this residue is clinically significant, and that variants that disrupt this residue are likely to be disease-causing. For these reasons, this variant has been classified as Pathogenic.

Literature cited by the submitters: PubMed 28377535.

NM_000834.5(GRIN2B):c.1664G>C (p.Ser555Thr)

Gene: GRIN2B (glutamate ionotropic receptor NMDA type subunit 2B; minus strand). Cytogenetic location: 12p13.1.
Variant type: single nucleotide variant.
Coding change: c.1664G>C on transcript NM_000834.5 (MANE Select); coding-DNA position 1664, G replaced by C.
Protein change: p.Ser555Thr; replaces serine 555 with threonine.
Molecular consequence: missense variant.
Genome position (GRCh38, 1-based): chr12:13,611,841, C>G on the plus strand (G>C on the coding strand, the complement: GRIN2B is on the minus strand). VCF-style: chr12-13611841-C-G. GRCh37 (hg19) VCF-style: chr12-13764775-C-G.
Other names: c.1664G>C, p.Ser555Thr (NM_001413992.1); short protein forms S555T.
Identifiers: ClinVar variation 2945847 (VCV002945847.3), dbSNP rs1949369220, ClinGen allele CA384051630.